The following is an entry in ClinVar:

NM_001379500.1(COL18A1):c.2428C>T (p.Arg810Trp)

Gene: COL18A1 (collagen type XVIII alpha 1 chain; plus strand). Cytogenetic location: 21q22.3.
Variant type: single nucleotide variant.
Coding change: c.2428C>T on transcript NM_001379500.1 (MANE Select); coding-DNA position 2428, C replaced by T.
Protein change: p.Arg810Trp; replaces arginine 810 with tryptophan.
Molecular consequence: missense variant.
Genome position (GRCh38, 1-based): chr21:45,494,910, C>T. VCF-style: chr21-45494910-C-T. GRCh37 (hg19) VCF-style: chr21-46914824-C-T.
Other names: NM_130445.2:c.2428C>T; c.2968C>T, p.Arg990Trp (NM_030582.4); c.3673C>T, p.Arg1225Trp (NM_130444.3); short protein forms R990W, R1225W, R810W.
Identifiers: ClinVar variation 898257 (VCV000898257.10), dbSNP rs764129709, ClinGen allele CA10067080.
Genomic context (GRCh38, chr21:45,494,910, plus strand): 5'-TTCCTCTTGCAGGGTCCATACGGACGGCCGGGGTACAAGGGAGAGATTGGCTTTCCTGGA[C>T]GGCCGGTGAGGACCTGGGGTCTCCAGTGGGGGCGGCAGATGGGGTCTGGCAGGTGGGGAG-3'
Protein context (NP_001366429.1, residues 800-820): GYKGEIGFPG[Arg810Trp]PGRPGMNGLK

ClinVar aggregate classification (germline): Uncertain significance. Review status: criteria provided, multiple submitters, no conflicts (2 of 4 stars). 4 submissions from 4 submitters: Uncertain significance (4). Last evaluated 2025-05-05.

Conditions:
Inborn genetic diseases. Identifiers: MedGen C0950123, MeSH D030342.
Knobloch syndrome (KNO). Also called: RETINAL DETACHMENT AND OCCIPITAL ENCEPHALOCELE; Myopia retinal detachment encephalocele. Identifiers: Orphanet 1571, MedGen C1849409, MONDO:0800166.

Allele frequency attached by ClinVar (database versions not stated): ExAC 0.00002; gnomAD 0.00004 and 0.00005; TOPMed 0.00005.

Submissions (4):

Ambry Genetics
Classification: Uncertain significance for Inborn genetic diseases. Last evaluated: 2025-05-05. Review status: criteria provided, single submitter. Criteria: Ambry Variant Classification Scheme 2023. Collection method: clinical testing. Allele origin: germline.

Labcorp Genetics (formerly Invitae), Labcorp
Classification: Uncertain significance. Last evaluated: 2024-12-20. Review status: criteria provided, single submitter. Criteria: Invitae Variant Classification Sherloc (09022015). Collection method: clinical testing. Allele origin: germline.
Comment: This sequence change replaces arginine, which is basic and polar, with tryptophan, which is neutral and slightly polar, at codon 810 of the COL18A1 protein (p.Arg810Trp). The frequency data for this variant in the population databases is considered unreliable, as metrics indicate poor data quality at this position in the gnomAD database. This variant has not been reported in the literature in individuals affected with COL18A1-related conditions. ClinVar contains an entry for this variant (Variation ID: 898257). Experimental studies and prediction algorithms are not available or were not evaluated, and the functional significance of this variant is currently unknown. In summary, the available evidence is currently insufficient to determine the role of this variant in disease. Therefore, it has been classified as a Variant of Uncertain Significance.

GeneDx
Classification: Uncertain significance. Last evaluated: 2019-08-20. Review status: criteria provided, single submitter. Criteria: GeneDx Variant Classification Process June 2021. Collection method: clinical testing. Allele origin: germline. Affected: yes.
Comment: In silico analysis, which includes protein predictors and evolutionary conservation, supports a deleterious effect; Has not been previously published as pathogenic or benign to our knowledge

Illumina Laboratory Services, Illumina
Classification: Uncertain significance for Knobloch syndrome 1. Last evaluated: 2018-01-12. Review status: criteria provided, single submitter. Criteria: ICSL Variant Classification Criteria 13 December 2019. Collection method: clinical testing. Allele origin: germline.